The following is an entry in ClinVar:

ClinVar aggregate classification (germline): Uncertain significance. Review status: criteria provided, multiple submitters, no conflicts (2 of 4 stars). 4 submissions from 4 submitters: Uncertain significance (4). Last evaluated 2025-07-01.

Conditions:
Ataxia-telangiectasia-like disorder (ATLD). Identifiers: MedGen C1858391, MONDO:0011457.
Hereditary cancer-predisposing syndrome. Also called: Hereditary neoplastic syndrome; Hereditary Cancer Syndrome; Neoplastic Syndromes, Hereditary; Tumor predisposition. Identifiers: Orphanet 140162, MedGen C0027672, MeSH D009386, MONDO:0015356.
Ataxia-telangiectasia-like disorder 1 (ATLD1). Identifiers: Orphanet 251347, MedGen C4012790, MONDO:0024557, OMIM 604391.

Allele frequency attached by ClinVar (database versions not stated): TOPMed 0.00008.
gnomAD v4.1: 5 of 1,476,894 alleles (0.00034%); highest among the groups gnomAD compares: East Asian, 0.011%; no homozygotes.

Submissions (4):

Ambry Genetics
Classification: Uncertain significance for Hereditary cancer-predisposing syndrome. Last evaluated: 2025-07-01. Review status: criteria provided, single submitter. Criteria: Ambry Variant Classification Scheme 2023. Collection method: clinical testing. Allele origin: germline.
Comment: The p.F13L variant (also known as c.37T>C), located in coding exon 2 of the MRE11A gene, results from a T to C substitution at nucleotide position 37. The phenylalanine at codon 13 is replaced by leucine, an amino acid with highly similar properties. This alteration was reported in a study of 1297 cases of early-onset breast cancer and 1121 controls (Young EL et al. J. Med. Genet. 2016 06;53:366-76).This amino acid position is highly conserved in available vertebrate species. In addition, this alteration is predicted to be deleterious by in silico analysis. Since supporting evidence is limited at this time, the clinical significance of this alteration remains unclear.

Labcorp Genetics (formerly Invitae), Labcorp
Classification: Uncertain significance for Ataxia-telangiectasia-like disorder. Last evaluated: 2024-07-03. Review status: criteria provided, single submitter. Criteria: Invitae Variant Classification Sherloc (09022015). Collection method: clinical testing. Allele origin: germline.
Comment: This sequence change replaces phenylalanine, which is neutral and non-polar, with leucine, which is neutral and non-polar, at codon 13 of the MRE11 protein (p.Phe13Leu). This variant is present in population databases (rs149101834, gnomAD 0.03%). This variant has not been reported in the literature in individuals affected with MRE11-related conditions. ClinVar contains an entry for this variant (Variation ID: 229733). An algorithm developed to predict the effect of missense changes on protein structure and function (PolyPhen-2) suggests that this variant is likely to be tolerated. In summary, the available evidence is currently insufficient to determine the role of this variant in disease. Therefore, it has been classified as a Variant of Uncertain Significance.

Fulgent Genetics
Classification: Uncertain significance for Ataxia-telangiectasia-like disorder 1. Last evaluated: 2024-02-24. Review status: criteria provided, single submitter. Criteria: ACMG Guidelines, 2015. Collection method: clinical testing. Allele origin: germline.

Department of Pathology and Laboratory Medicine, Sinai Health System
Classification: Uncertain significance for Ataxia-telangiectasia-like disorder 1. Last evaluated: 2020-08-13. Review status: criteria provided, single submitter. Criteria: ACMG Guidelines, 2015. Collection method: research. Allele origin: germline.

Literature cited by the submitters: PubMed 26787654 (cited by Ambry Genetics).

NM_005591.4(MRE11):c.37T>C (p.Phe13Leu)

Gene: MRE11 (MRE11 double strand break repair nuclease; minus strand). Cytogenetic location: 11q21.
Variant type: single nucleotide variant.
Coding change: c.37T>C on transcript NM_005591.4 (MANE Select); coding-DNA position 37, T replaced by C.
Protein change: p.Phe13Leu; replaces phenylalanine 13 with leucine.
Molecular consequence: missense variant.
Genome position (GRCh38, 1-based): chr11:94,490,949, A>G on the plus strand (T>C on the coding strand, the complement: MRE11 is on the minus strand). VCF-style: chr11-94490949-A-G. GRCh37 (hg19) VCF-style: chr11-94224115-A-G.
Other names: c.37T>C, p.Phe13Leu (NM_001330347.2, NM_005590.4); short protein forms F13L.
Identifiers: ClinVar variation 229733 (VCV000229733.15), dbSNP rs149101834, ClinGen allele CA6235469.